The following is an entry in ClinVar:

NM_000032.5(ALAS2):c.844G>T (p.Ala282Ser)

Gene: ALAS2 (5'-aminolevulinate synthase 2; minus strand). Cytogenetic location: Xp11.21.
Variant type: single nucleotide variant.
Coding change: c.844G>T on transcript NM_000032.5 (MANE Select); coding-DNA position 844, G replaced by T.
Protein change: p.Ala282Ser; replaces alanine 282 with serine.
Molecular consequence: missense variant.
Genome position (GRCh38, 1-based): chrX:55,017,645, C>A on the plus strand (G>T on the coding strand, the complement: ALAS2 is on the minus strand). VCF-style: chrX-55017645-C-A. GRCh37 (hg19) VCF-style: chrX-55044078-C-A.
Other names: c.733G>T, p.Ala245Ser (NM_001037967.4); c.805G>T, p.Ala269Ser (NM_001037968.4); short protein forms A269S, A282S, A245S.
Identifiers: ClinVar variation 681414 (VCV000681414.13), dbSNP rs368251919, ClinGen allele CA10428371.

ClinVar aggregate classification (germline): Likely benign. Review status: criteria provided, multiple submitters, no conflicts (2 of 4 stars). 4 submissions from 4 submitters: Likely benign (4). Last evaluated 2026-02-01.

Allele frequency attached by ClinVar (database versions not stated): 1000 Genomes Project 0.00079; 1000 Genomes Project 30x 0.00083.
gnomAD v4.1: 139 of 1,209,937 alleles (0.011%); highest among the groups gnomAD compares: South Asian, 0.17%; 2 homozygotes.

Submissions (4):

CeGaT Center for Human Genetics Tuebingen
Classification: Likely benign. Last evaluated: 2026-02-01. Review status: criteria provided, single submitter. Criteria: CeGaT Center For Human Genetics Tuebingen Variant Classification Criteria Version 2. Collection method: clinical testing. Allele origin: germline. Affected: yes. Observed: 2 variant alleles.
Comment: ALAS2: BS2

Labcorp Genetics (formerly Invitae), Labcorp
Classification: Likely benign. Last evaluated: 2025-03-10. Review status: criteria provided, single submitter. Criteria: Invitae Variant Classification Sherloc (09022015). Collection method: clinical testing. Allele origin: germline.

Blueprint Genetics
Classification: Likely benign. Last evaluated: 2024-11-19. Review status: criteria provided, single submitter. Criteria: ACMG Guidelines, 2015. Collection method: clinical testing. Allele origin: germline.

GeneDx
Classification: Likely benign. Last evaluated: 2018-04-09. Review status: criteria provided, single submitter. Criteria: GeneDx Variant Classification (06012015). Collection method: clinical testing. Allele origin: germline. Affected: yes.
Comment: This variant is considered likely benign or benign based on one or more of the following criteria: it is a conservative change, it occurs at a poorly conserved position in the protein, it is predicted to be benign by multiple in silico algorithms, and/or has population frequency not consistent with disease.